The following is an entry in ClinVar:

ClinVar aggregate classification (germline): Likely benign (1 of 4 stars; one submission).

Allele frequency attached by ClinVar (database versions not stated): gnomAD 0.00515 and 0.00548; TOPMed 0.00547; 1000 Genomes Project 0.00759; 1000 Genomes Project 30x 0.00796.
gnomAD v4.1: 772 of 152,022 alleles (0.51%); highest among the groups gnomAD compares: African/African-American, 1.8%; 14 homozygotes.

Submission:

GeneDx
Classification: Likely benign. Last evaluated: 2018-06-14. Review status: criteria provided, single submitter. Criteria: GeneDx Variant Classification (06012015). Collection method: clinical testing. Allele origin: germline. Affected: yes.
Comment: This variant is considered likely benign or benign based on one or more of the following criteria: it is a conservative change, it occurs at a poorly conserved position in the protein, it is predicted to be benign by multiple in silico algorithms, and/or has population frequency not consistent with disease.

NM_014476.6(PDLIM3):c.905+322G>A

Gene: PDLIM3 (PDZ and LIM domain 3; minus strand). Cytogenetic location: 4q35.1.
Variant type: single nucleotide variant.
Coding change: c.905+322G>A on transcript NM_014476.6 (MANE Select); 322 bases into the intron after coding-DNA position 905, G replaced by A.
Molecular consequence: intron variant.
Genome position (GRCh38, 1-based): chr4:185,504,153, C>T on the plus strand (G>A on the coding strand, the complement: PDLIM3 is on the minus strand). VCF-style: chr4-185504153-C-T. GRCh37 (hg19) VCF-style: chr4-186425307-C-T.
Other names: c.404+322G>A (NM_001257963.2); c.641+322G>A (NM_001257962.2); c.761+322G>A (NM_001114107.5).
Identifiers: ClinVar variation 672898 (VCV000672898.1), dbSNP rs114531934, ClinGen allele CA112042252.